The following is an entry in ClinVar:

NM_001356.5(DDX3X):c.1535A>G (p.His512Arg)

Gene: DDX3X (DEAD-box helicase 3 X-linked; plus strand). Cytogenetic location: Xp11.4.
Variant type: single nucleotide variant.
Coding change: c.1535A>G on transcript NM_001356.5 (MANE Select); coding-DNA position 1535, A replaced by G.
Protein change: p.His512Arg; replaces histidine 512 with arginine.
Molecular consequence: missense variant. On other transcripts: non-coding transcript variant (1).
Genome position (GRCh38, 1-based): chrX:41,346,542, A>G. VCF-style: chrX-41346542-A-G. GRCh37 (hg19) VCF-style: chrX-41205795-A-G.
Other names: c.1535A>G, p.His512Arg (NM_001193416.3); c.1487A>G, p.His496Arg (NM_001193417.3); c.977A>G, p.His326Arg (NM_001363819.1); short protein forms H326R, H496R, H512R.
Identifiers: ClinVar variation 2985822 (VCV002985822.3), dbSNP rs2519524092, ClinGen allele CA412776344.

ClinVar aggregate classification (germline): Uncertain significance (1 of 4 stars; one submission).

Submission:

Labcorp Genetics (formerly Invitae), Labcorp
Classification: Uncertain significance. Last evaluated: 2024-08-11. Review status: criteria provided, single submitter. Criteria: Invitae Variant Classification Sherloc (09022015). Collection method: clinical testing. Allele origin: germline.
Comment: This sequence change replaces histidine, which is basic and polar, with arginine, which is basic and polar, at codon 512 of the DDX3X protein (p.His512Arg). This variant is not present in population databases (gnomAD no frequency). This variant has not been reported in the literature in individuals affected with DDX3X-related conditions. Experimental studies and prediction algorithms are not available or were not evaluated, and the functional significance of this variant is currently unknown. In summary, the available evidence is currently insufficient to determine the role of this variant in disease. Therefore, it has been classified as a Variant of Uncertain Significance.